The following is an entry in ClinVar:

ClinVar aggregate classification (germline): Uncertain significance. Review status: criteria provided, multiple submitters, no conflicts (2 of 4 stars). 5 submissions from 5 submitters: Uncertain significance (4). 1 of the submissions does not count toward it. Last evaluated 2025-11-06.

Conditions:
Inborn genetic diseases. Identifiers: MedGen C0950123, MeSH D030342.
Hearing impairment. Also called: Impaired Hearing. Identifiers: MedGen C1384666, MONDO:0005365, HP:0000365.
Usher syndrome type 1F (USH1F). Also called: USHER SYNDROME, TYPE IF. Identifiers: Orphanet 231169, Orphanet 886, MedGen C1865885, MONDO:0011186, OMIM 602083.

Allele frequency attached by ClinVar (database versions not stated): gnomAD 0.00001; gnomAD exomes 0.00001 and 0.00003; TOPMed 0.00001; ExAC 0.00002; ESP Exome Variant Server 0.00008.
gnomAD v4.1: 44 of 1,613,860 alleles (0.0027%); highest among the groups gnomAD compares: Non-Finnish European, 0.0031%; no homozygotes.

Submissions (5):

Ambry Genetics
Classification: Uncertain significance for Inborn genetic diseases. Last evaluated: 2025-11-06. Review status: criteria provided, single submitter. Criteria: Ambry Variant Classification Scheme 2023. Collection method: clinical testing. Allele origin: germline.

Blueprint Genetics
Classification: Uncertain significance. Last evaluated: 2024-11-27. Review status: criteria provided, single submitter. Criteria: ACMG Guidelines, 2015. Collection method: clinical testing. Allele origin: germline.

Labcorp Genetics (formerly Invitae), Labcorp
Classification: Uncertain significance. Last evaluated: 2024-08-31. Review status: criteria provided, single submitter. Criteria: Invitae Variant Classification Sherloc (09022015). Collection method: clinical testing. Allele origin: germline.
Comment: This sequence change replaces valine, which is neutral and non-polar, with alanine, which is neutral and non-polar, at codon 427 of the PCDH15 protein (p.Val427Ala). This variant is present in population databases (rs142698812, gnomAD 0.004%). This variant has not been reported in the literature in individuals affected with PCDH15-related conditions. ClinVar contains an entry for this variant (Variation ID: 937212). Invitae Evidence Modeling of protein sequence and biophysical properties (such as structural, functional, and spatial information, amino acid conservation, physicochemical variation, residue mobility, and thermodynamic stability) indicates that this missense variant is not expected to disrupt PCDH15 protein function with a negative predictive value of 80%. In summary, the available evidence is currently insufficient to determine the role of this variant in disease. Therefore, it has been classified as a Variant of Uncertain Significance.

Department of Otolaryngology – Head & Neck Surgery, Cochlear Implant Center
Classification: Uncertain significance for Hearing impairment. Last evaluated: 2021-04-12. Review status: criteria provided, single submitter. Criteria: ClinGen HL ACMG Specifications v1. Collection method: clinical testing. Allele origin: germline. Affected: yes.
Comment: PM2_Moderate, PM5_Moderate, BP4_Supporting

Natera, Inc.
Classification: Uncertain significance for Usher syndrome type 1F. Last evaluated: 2020-03-17. Review status: no assertion criteria provided. Collection method: clinical testing. Allele origin: germline. Not counted in ClinVar's aggregate classification.

NM_001384140.1(PCDH15):c.1280T>C (p.Val427Ala)

Gene: PCDH15 (protocadherin related 15; minus strand). Cytogenetic location: 10q21.1.
Variant type: single nucleotide variant.
Coding change: c.1280T>C on transcript NM_001384140.1 (MANE Select); coding-DNA position 1280, T replaced by C.
Protein change: p.Val427Ala; replaces valine 427 with alanine.
Molecular consequence: missense variant.
Genome position (GRCh38, 1-based): chr10:54,195,708, A>G on the plus strand (T>C on the coding strand, the complement: PCDH15 is on the minus strand). VCF-style: chr10-54195708-A-G. GRCh37 (hg19) VCF-style: chr10-55955468-A-G.
Other names: c.1295T>C, p.Val432Ala (NM_001142763.2, NM_001142769.4, NM_001142771.2); c.1280T>C, p.Val427Ala (NM_001142764.2, NM_001142765.2, NM_001142766.2 and 7 more transcripts); c.1169T>C, p.Val390Ala (NM_001142767.2); c.1214T>C, p.Val405Ala (NM_001142768.2, NM_001142773.2, NM_001354404.2); short protein forms V427A, V405A, V390A, V432A.
Identifiers: ClinVar variation 937212 (VCV000937212.11), dbSNP rs142698812, ClinGen allele CA5506455.